The following is an entry in ClinVar:

ClinVar aggregate classification (germline): Uncertain significance. Review status: criteria provided, multiple submitters, no conflicts (2 of 4 stars). 2 submissions from 2 submitters: Uncertain significance (2). Last evaluated 2025-01-31.

Conditions:
Cardiovascular phenotype. Identifiers: MedGen CN230736.

Submissions (2):

Ambry Genetics
Classification: Uncertain significance for Cardiovascular phenotype. Last evaluated: 2025-01-31. Review status: criteria provided, single submitter. Criteria: Ambry Variant Classification Scheme 2023. Collection method: clinical testing. Allele origin: germline.
Comment: The c.11290_11291delGGinsT variant, located in coding exon 2 of the ZNF469 gene, results from the deletion of two nucleotides and insertion of one nucleotide causing a translational frameshift with a predicted alternate stop codon (p.G3764Cfs*14). This alteration occurs at the 3' terminus of theZNF469 gene, is not expected to trigger nonsense-mediated mRNAdecay, and impacts the last 4% of the protein. The exact functional effect of this alteration is unknown. Based on the available evidence, the clinical significance of this variant remains unclear.

GeneDx
Classification: Uncertain significance. Last evaluated: 2019-11-15. Review status: criteria provided, single submitter. Criteria: GeneDx Variant Classification Process June 2021. Collection method: clinical testing. Allele origin: germline. Affected: yes.
Comment: Not observed in large population cohorts (Lek et al., 2016); Frameshift variant predicted to result in protein truncation as the last 162 amino acids are lost and replaced with 13 incorrect amino acids, although loss-of-function variants have not been reported downstream of this position in the protein; Has not been previously published as pathogenic or benign to our knowledge

NM_001127464.2(ZNF469):c.11290_11291delGGinsT (p.Gly3764Cysfs)

Gene: ZNF469 (zinc finger protein 469; plus strand). Cytogenetic location: 16q24.2.
Variant type: Indel.
Coding change: c.11290_11291delGGinsT on transcript NM_001127464.2; coding-DNA positions 11290 to 11291, 2 bases deleted.
Protein change: p.Gly3764Cysfs; shifts the reading frame from glycine 3764.
Molecular consequence: frameshift variant (on NM_001367624.2).
Genome position: GRCh38 VCF-style: chr16-88438844-GG-T. GRCh37 (hg19) VCF-style: chr16-88505252-GG-T.
Other names: NM_001127464.1:c.11290_11291delGGinsT; NM_001127464.1:c.11290_11291delinsT; c.11374_11375delinsT, p.Gly3792fs (NM_001367624.2); short protein forms G3792fs.
Identifiers: ClinVar variation 545933 (VCV000545933.3), dbSNP rs1555520574, ClinGen allele CA658824640.
Genomic context (GRCh38, chr16:88,438,844, plus strand): 5'-AGCCGGAGCCCTGCACCAGAGAGGCTCCCCGCTCGAGCCCAAGCCAAGAGCTGCACCAAG[GG>T]GCCAAGGGAAGCTGGTGAGCAGGGGCCCCACGGGAGCCTAGGTCCCAAGGAGAAGGGAGA-3'